The following is an entry in ClinVar:

NM_000368.5(TSC1):c.3238T>C (p.Ser1080Pro)

Gene: TSC1 (TSC complex subunit 1; minus strand). Cytogenetic location: 9q34.13.
Variant type: single nucleotide variant.
Coding change: c.3238T>C on transcript NM_000368.5 (MANE Select); coding-DNA position 3238, T replaced by C.
Protein change: p.Ser1080Pro; replaces serine 1080 with proline.
Molecular consequence: missense variant. On other transcripts: non-coding transcript variant (5).
Genome position (GRCh38, 1-based): chr9:132,896,492, A>G on the plus strand (T>C on the coding strand, the complement: TSC1 is on the minus strand). VCF-style: chr9-132896492-A-G. GRCh37 (hg19) VCF-style: chr9-135771879-A-G.
Other names: c.3235T>C, p.Ser1079Pro (NM_001162426.2, NM_001406597.1, NM_001406598.1 and 2 more transcripts); c.3085T>C, p.Ser1029Pro (NM_001162427.2, NM_001406610.1); c.2875T>C, p.Ser959Pro (NM_001362177.2, NM_001406614.1, NM_001406615.1 and 4 more transcripts); c.3238T>C, p.Ser1080Pro (NM_001406592.1, NM_001406593.1, NM_001406594.1 and 2 more transcripts); c.3223T>C, p.Ser1075Pro (NM_001406601.1, NM_001406602.1); c.3220T>C, p.Ser1074Pro (NM_001406603.1, NM_001406604.1); c.3196T>C, p.Ser1066Pro (NM_001406605.1, NM_001406606.1, NM_001406607.1); c.3193T>C, p.Ser1065Pro (NM_001406608.1, NM_001406609.1); and 8 more; short protein forms S1065P, S1075P, S763P, S1014P, S1028P, S1066P, S1080P, S944P.
Identifiers: ClinVar variation 4709645 (VCV004709645.1).

ClinVar aggregate classification (germline): Uncertain significance (1 of 4 stars; one submission).

Conditions:
Tuberous sclerosis 1 (TSC1). Identifiers: Orphanet 805, MedGen C1854465, MONDO:0008612, OMIM 191100.

Submission:

Labcorp Genetics (formerly Invitae), Labcorp
Classification: Uncertain significance for Tuberous sclerosis 1. Last evaluated: 2025-06-03. Review status: criteria provided, single submitter. Criteria: Invitae Variant Classification Sherloc (09022015). Collection method: clinical testing. Allele origin: germline.
Comment: This sequence change replaces serine, which is neutral and polar, with proline, which is neutral and non-polar, at codon 1080 of the TSC1 protein (p.Ser1080Pro). This variant is not present in population databases (gnomAD no frequency). This variant has not been reported in the literature in individuals affected with TSC1-related conditions. Invitae Evidence Modeling of protein sequence and biophysical properties (such as structural, functional, and spatial information, amino acid conservation, physicochemical variation, residue mobility, and thermodynamic stability) has been performed for this missense variant. However, the output from this modeling did not meet the statistical confidence thresholds required to predict the impact of this variant on TSC1 protein function. In summary, the available evidence is currently insufficient to determine the role of this variant in disease. Therefore, it has been classified as a Variant of Uncertain Significance.